The following is an entry in ClinVar:

NM_001430.5(EPAS1):c.1085T>C (p.Leu362Pro)

Gene: EPAS1 (endothelial PAS domain protein 1; plus strand). Cytogenetic location: 2p21.
Variant type: single nucleotide variant.
Coding change: c.1085T>C on transcript NM_001430.5 (MANE Select); coding-DNA position 1085, T replaced by C.
Protein change: p.Leu362Pro; replaces leucine 362 with proline.
Molecular consequence: missense variant.
Genome position (GRCh38, 1-based): chr2:46,376,589, T>C. VCF-style: chr2-46376589-T-C. GRCh37 (hg19) VCF-style: chr2-46603728-T-C.
Other names: short protein forms L362P.
Identifiers: ClinVar variation 2450332 (VCV002450332.2), dbSNP rs1303793823, ClinGen allele CA346703146.

ClinVar aggregate classification (germline): Uncertain significance (1 of 4 stars; one submission).

Conditions:
Inborn genetic diseases. Identifiers: MedGen C0950123, MeSH D030342.

Submission:

Ambry Genetics
Classification: Uncertain significance for Inborn genetic diseases. Last evaluated: 2023-03-08. Review status: criteria provided, single submitter. Criteria: Ambry Variant Classification Scheme 2023. Collection method: clinical testing. Allele origin: germline.
Comment: The p.L362P variant (also known as c.1085T>C), located in coding exon 9 of the EPAS1 gene, results from a T to C substitution at nucleotide position 1085. The leucine at codon 362 is replaced by proline, an amino acid with similar properties. This amino acid position is conserved. In addition, this alteration is predicted to be tolerated by in silico analysis. Since supporting evidence is limited at this time, the clinical significance of this alteration remains unclear.